The following is an entry in ClinVar:

NM_006846.4(SPINK5):c.2622T>A (p.Tyr874Ter)

Gene: SPINK5 (serine peptidase inhibitor Kazal type 5; plus strand). Cytogenetic location: 5q32.
Variant type: single nucleotide variant.
Coding change: c.2622T>A on transcript NM_006846.4 (MANE Select); coding-DNA position 2622, T replaced by A.
Protein change: p.Tyr874Ter; replaces tyrosine 874 with a stop codon.
Molecular consequence: nonsense.
Genome position (GRCh38, 1-based): chr5:148,123,916, T>A. VCF-style: chr5-148123916-T-A. GRCh37 (hg19) VCF-style: chr5-147503479-T-A.
Other names: c.2622T>A, p.Tyr874Ter (NM_001127698.2, NM_001127699.2); short protein forms Y874*.
Identifiers: ClinVar variation 379560 (VCV000379560.7), dbSNP rs1057520643, ClinGen allele CA16604889.

ClinVar aggregate classification (germline): Pathogenic. Review status: criteria provided, multiple submitters, no conflicts (2 of 4 stars). 2 submissions from 2 submitters: Pathogenic (2). Last evaluated 2022-04-15.

Conditions:
Ichthyosis linearis circumflexa. Identifiers: MedGen C0265962, MONDO:0043106, HP:0025810.

Submissions (2):

Labcorp Genetics (formerly Invitae), Labcorp
Classification: Pathogenic for Ichthyosis linearis circumflexa. Last evaluated: 2022-04-15. Review status: criteria provided, single submitter. Criteria: Invitae Variant Classification Sherloc (09022015). Collection method: clinical testing. Allele origin: germline.
Comment: For these reasons, this variant has been classified as Pathogenic. Algorithms developed to predict the effect of sequence changes on RNA splicing suggest that this variant may disrupt the consensus splice site. ClinVar contains an entry for this variant (Variation ID: 379560). This variant has not been reported in the literature in individuals affected with SPINK5-related conditions. This variant is not present in population databases (gnomAD no frequency). This sequence change creates a premature translational stop signal (p.Tyr874*) in the SPINK5 gene. It is expected to result in an absent or disrupted protein product. Loss-of-function variants in SPINK5 are known to be pathogenic (PMID: 11511292, 11841556).

GeneDx
Classification: Pathogenic. Last evaluated: 2015-04-24. Review status: criteria provided, single submitter. Criteria: GeneDx Variant Classification (06012015). Collection method: clinical testing. Allele origin: germline. Affected: yes.
Comment: The Y874X nonsense variant in the SPINK5 gene is predicted to cause loss of normal protein function either through protein truncation or nonsense-mediated mRNA decay. The Y874X variant was not observed in approximately 6,000 individuals of European and African American ancestry in the NHLBI Exome Sequencing Project, indicating it is not a common benign variant in these populations. Therefore, we interpret Y874X as a pathogenic variant.

Literature cited by the submitters: PubMed 11511292 (cited by Labcorp Genetics (formerly Invitae), Labcorp); PubMed 11841556 (cited by Labcorp Genetics (formerly Invitae), Labcorp).